The following is an entry in ClinVar:

NM_000179.3(MSH6):c.3619C>T (p.His1207Tyr)

Gene: MSH6 (mutS homolog 6; plus strand). Cytogenetic location: 2p16.3.
Variant type: single nucleotide variant.
Coding change: c.3619C>T on transcript NM_000179.3 (MANE Select); coding-DNA position 3619, C replaced by T.
Protein change: p.His1207Tyr; replaces histidine 1207 with tyrosine.
Molecular consequence: missense variant.
Genome position (GRCh38, 1-based): chr2:47,805,680, C>T. VCF-style: chr2-47805680-C-T. GRCh37 (hg19) VCF-style: chr2-48032819-C-T.
Other names: c.3229C>T, p.His1077Tyr (NM_001281492.2); c.2713C>T, p.His905Tyr (NM_001281493.2, NM_001281494.2); short protein forms H1207Y, H1077Y, H905Y.
Identifiers: ClinVar variation 216316 (VCV000216316.12), dbSNP rs760391254, ClinGen allele CA335866.

ClinVar aggregate classification (germline): Uncertain significance. Review status: criteria provided, multiple submitters, no conflicts (2 of 4 stars). 2 submissions from 2 submitters: Uncertain significance (2). Last evaluated 2025-07-24.

Conditions:
Hereditary nonpolyposis colorectal neoplasms. Identifiers: MedGen C0009405, MeSH D003123.
Hereditary cancer-predisposing syndrome. Also called: Hereditary Cancer Syndrome; Hereditary neoplastic syndrome; Neoplastic Syndromes, Hereditary; Tumor predisposition. Identifiers: Orphanet 140162, MedGen C0027672, MeSH D009386, MONDO:0015356.

Submissions (2):

Labcorp Genetics (formerly Invitae), Labcorp
Classification: Uncertain significance for Hereditary nonpolyposis colorectal neoplasms. Last evaluated: 2025-07-24. Review status: criteria provided, single submitter. Criteria: Invitae Variant Classification Sherloc (09022015). Collection method: clinical testing. Allele origin: germline.
Comment: This sequence change replaces histidine, which is basic and polar, with tyrosine, which is neutral and polar, at codon 1207 of the MSH6 protein (p.His1207Tyr). This variant is not present in population databases (gnomAD no frequency). This variant has not been reported in the literature in individuals affected with MSH6-related conditions. ClinVar contains an entry for this variant (Variation ID: 216316). Invitae Evidence Modeling of protein sequence and biophysical properties (such as structural, functional, and spatial information, amino acid conservation, physicochemical variation, residue mobility, and thermodynamic stability) indicates that this missense variant is not expected to disrupt MSH6 protein function with a negative predictive value of 95%. In summary, the available evidence is currently insufficient to determine the role of this variant in disease. Therefore, it has been classified as a Variant of Uncertain Significance.

Ambry Genetics
Classification: Uncertain significance for Hereditary cancer-predisposing syndrome. Last evaluated: 2022-05-13. Review status: criteria provided, single submitter. Criteria: Ambry Variant Classification Scheme 2023. Collection method: clinical testing. Allele origin: germline.
Comment: The p.H1207Y variant (also known as c.3619C>T), located in coding exon 7 of the MSH6 gene, results from a C to T substitution at nucleotide position 3619. The histidine at codon 1207 is replaced by tyrosine, an amino acid with similar properties. This amino acid position is highly conserved in available vertebrate species. In addition, the in silico prediction for this alteration is inconclusive. Since supporting evidence is limited at this time, the clinical significance of this alteration remains unclear.